The following is an entry in ClinVar:

NM_006648.4(WNK2):c.5018T>A (p.Val1673Asp)

Gene: WNK2 (WNK lysine deficient protein kinase 2; plus strand). Cytogenetic location: 9q22.31.
Variant type: single nucleotide variant.
Coding change: c.5018T>A on transcript NM_006648.4 (MANE Select); coding-DNA position 5018, T replaced by A.
Protein change: p.Val1673Asp; replaces valine 1673 with aspartic acid.
Molecular consequence: missense variant.
Genome position (GRCh38, 1-based): chr9:93,292,389, T>A. VCF-style: chr9-93292389-T-A. GRCh37 (hg19) VCF-style: chr9-96054671-T-A.
Other names: c.5129T>A, p.Val1710Asp (NM_001282394.3); short protein forms V1673D, V1710D.
Identifiers: ClinVar variation 3982025 (VCV003982025.1).
Genomic context (GRCh38, chr9:93,292,389, plus strand): 5'-TGCTAGGCTATGACAGAGATGGAAGGCAGGTGGCCTCAGACTCCCATGTGGTCCCCAGCG[T>A]CCCCCAGGTAAGGGCGACTTGACGACCCCCTGGCTGGTTGGCAGGGTTTGCTCTGTGCTG-3'
Protein context (NP_006639.3, residues 1663-1683): VASDSHVVPS[Val1673Asp]PQDVPAFVRP

ClinVar aggregate classification (germline): Uncertain significance (1 of 4 stars; one submission).

Submission:

Ambry Genetics
Classification: Uncertain significance. Last evaluated: 2025-05-11. Review status: criteria provided, single submitter. Criteria: Ambry Variant Classification Scheme 2023. Collection method: clinical testing. Allele origin: germline.
Comment: The p.V1673D variant (also known as c.5018T>A), located in coding exon 21 of the WNK2 gene, results from a T to A substitution at nucleotide position 5018. The valine at codon 1673 is replaced by aspartic acid, an amino acid with highly dissimilar properties. This amino acid position is conserved. In addition, this alteration is predicted to be tolerated by in silico analysis. Based on the available evidence, the clinical significance of this variant remains unclear.